The following is an entry in ClinVar:

ClinVar aggregate classification (germline): Conflicting classifications of pathogenicity. Review status: criteria provided, conflicting classifications (1 of 4 stars). 2 submissions from 2 submitters: Uncertain significance (1); Likely benign (1). Last evaluated 2026-05-08.

Conditions:
SC5D-related disorder. Also called: SC5D-related condition.
Lathosterolosis. Also called: SC5D DEFICIENCY; STEROL C5-DESATURASE DEFICIENCY. Identifiers: Orphanet 46059, MedGen C1846421, MONDO:0011816, OMIM 607330.

Allele frequency attached by ClinVar (database versions not stated): gnomAD exomes 0.00001 and 0.00006; ExAC 0.00002; TOPMed 0.00004.
gnomAD v4.1: 68 of 1,413,192 alleles (0.0048%); highest among the groups gnomAD compares: Non-Finnish European, 0.0067%; 1 homozygote.

Submissions (2):

PreventionGenetics, part of Exact Sciences
Classification: Likely benign for SC5D-related condition. Last evaluated: 2026-05-08. Review status: criteria provided, single submitter. Criteria: ACMG Guidelines, 2015. Collection method: clinical testing. Allele origin: germline.
Comment: This variant is classified as likely benign based on ACMG/AMP sequence variant interpretation guidelines (Richards et al. 2015 PMID: 25741868, with internal and published modifications).

Illumina Laboratory Services, Illumina
Classification: Uncertain significance for Lathosterolosis. Last evaluated: 2018-01-12. Review status: criteria provided, single submitter. Criteria: ICSL Variant Classification Criteria 13 December 2019. Collection method: clinical testing. Allele origin: germline.

NM_006918.5(SC5D):c.344-8T>C

Gene: SC5D (sterol-C5-desaturase; plus strand). Cytogenetic location: 11q24.1.
Variant type: single nucleotide variant.
Coding change: c.344-8T>C on transcript NM_006918.5 (MANE Select); 8 bases into the intron before coding-DNA position 344, T replaced by C.
Molecular consequence: intron variant.
Genome position (GRCh38, 1-based): chr11:121,306,378, T>C. VCF-style: chr11-121306378-T-C. GRCh37 (hg19) VCF-style: chr11-121177087-T-C.
Other names: c.344-8T>C (NM_001024956.3).
Identifiers: ClinVar variation 303053 (VCV000303053.6), dbSNP rs765331892, ClinGen allele CA6328114.
Genomic context (GRCh38, chr11:121,306,378, plus strand): 5'-ATGTGAAAAGTGAACTCTAATCCCAGGAGCTGAGTTTTGATTCTTCTGTTTCCCGTTTTC[T>C]TTTCTAGGATTGTTTGAACTTGTCGTTAGTATAATATCTTTCCTCTTTTTCACTGACATG-3'